The following is an entry in ClinVar:

NM_020774.4(MIB1):c.1678-18A>T

Gene: MIB1 (MIB E3 ubiquitin protein ligase 1; plus strand). Cytogenetic location: 18q11.2.
Variant type: single nucleotide variant.
Coding change: c.1678-18A>T on transcript NM_020774.4 (MANE Select); 18 bases into the intron before coding-DNA position 1678, A replaced by T.
Molecular consequence: intron variant.
Genome position (GRCh38, 1-based): chr18:21,819,477, A>T. VCF-style: chr18-21819477-A-T. GRCh37 (hg19) VCF-style: chr18-19399438-A-T.
Identifiers: ClinVar variation 508998 (VCV000508998.1), dbSNP rs1555694061, ClinGen allele CA658799007.
Genomic context (GRCh38, chr18:21,819,477, plus strand): 5'-CTTAGCATTTGGTGTAAGTATTACTATTAGATGGGATAATTAATTGAAGAACTAATGAAA[A>T]TTTCTTTAAACTTAAAGGATTCTGAAGGTGATACCCCTCTTCATGATGCAATAAGTAAGA-3'

ClinVar aggregate classification (germline): Likely benign (1 of 4 stars; one submission).

Allele frequency attached by ClinVar (database versions not stated): gnomAD exomes below 0.00001.
gnomAD v4.1: 1 of 1,535,228 alleles (0.000065%); highest among the groups gnomAD compares: Non-Finnish European, 0.000089%; no homozygotes.

Submission:

GeneDx
Classification: Likely benign. Last evaluated: 2017-04-17. Review status: criteria provided, single submitter. Criteria: GeneDx Variant Classification (06012015). Collection method: clinical testing. Allele origin: germline. Affected: yes.
Comment: This variant is considered likely benign or benign based on one or more of the following criteria: it is a conservative change, it occurs at a poorly conserved position in the protein, it is predicted to be benign by multiple in silico algorithms, and/or has population frequency not consistent with disease.